The following is an entry in ClinVar:

NM_020778.4(ALPK3):c.436_440dup5

Gene: ALPK3 (alpha kinase 3; plus strand). Cytogenetic location: 15q25.3.
Variant type: Microsatellite.
Coding change: c.436_440dup5 on transcript NM_020778.4; coding-DNA positions 436 to 440, 5 bases duplicated (CCAGG; older notation c.436_440dup5CCAGG).
Molecular consequence: frameshift variant.
Genome position (GRCh38, 1-based): chr15:84,817,282-84,817,286, CCAGG duplicated; duplicating any 5 consecutive bases within chr15:84,817,275-84,817,286 gives the same sequence; the c. name uses the placement nearest the transcript's 3' end. VCF-style (leftmost placement, unchanged base first): chr15-84817274-G-GGGCCA. GRCh37 (hg19) VCF-style: chr15-85360505-G-GGGCCA.
Other names: c.436_440dup (NM_020778.4); c.436_440dupCCAGG (NM_020778.4).
Identifiers: ClinVar variation 422750 (VCV000422750.25), dbSNP rs527847958, ClinGen allele CA7708838.
Genomic context (GRCh38, chr15:84,817,274, plus strand): 5'-CTGGGGCGGGCACATGGGCCCCGGCGCCCCCCGGCGTCTCCAAGCCGCGCTGCCCGGGTC[G>GGGCCA]GGCCAGGCCAGGGGAGGGACAGCAGCAGGTGACGACGGCCCGGCCACCGGCTATAAATAG-3'

ClinVar aggregate classification (germline): Conflicting classifications of pathogenicity. Review status: criteria provided, conflicting classifications (1 of 4 stars). 5 submissions from 5 submitters: Uncertain significance (1); Benign (1); Likely benign (2). 1 of the submissions does not count toward it. Last evaluated 2026-02-03.

Conditions:
ALPK3-related disorder. Also called: ALPK3-related condition.
Cardiovascular phenotype. Identifiers: MedGen CN230736.

Submissions (5):

Labcorp Genetics (formerly Invitae), Labcorp
Classification: Benign. Last evaluated: 2026-02-03. Review status: criteria provided, single submitter. Criteria: Invitae Variant Classification Sherloc (09022015). Collection method: clinical testing. Allele origin: germline.

Blueprint Genetics
Classification: Likely benign. Last evaluated: 2024-11-14. Review status: criteria provided, single submitter. Criteria: ACMG Guidelines, 2015. Collection method: clinical testing. Allele origin: germline.

GeneDx
Classification: Uncertain significance. Last evaluated: 2021-09-30. Review status: criteria provided, single submitter. Criteria: GeneDx Variant Classification Process June 2021. Collection method: clinical testing. Allele origin: germline. Affected: yes.
Comment: Has not been previously published as pathogenic or benign to our knowledge; Observed in the heterozygous state in multiple unrelated individuals referred for cardiac genetic testing at GeneDx, several of whom also harbor likely pathogenic or pathogenic variants in other disease-related genes; Frameshift variant in exon 1 predicted to result in protein truncation or nonsense mediated decay and multiple downstream loss of function variants in the ALPK3 gene have been reported in the Human Gene Mutation Database in association with autosomal recessive pediatric cardiomyopathy (Stenson et al., 2014); A different loss of function variant in exon 1 of the ALPK3 gene, p.C64X, was also reported in 1.2% (235/19700) alleles in individuals of Ease Asian descent, including two homozygous individuals; these minor allele frequencies are greater than expected given the incidence of pediatric cardiomyopathy, which introduces uncertainty of the physiological consequence of nonsense and frameshift variants in exon 1 of ALPK3

Ambry Genetics
Classification: Likely benign for Cardiovascular phenotype. Last evaluated: 2021-08-17. Review status: criteria provided, single submitter. Criteria: Ambry Variant Classification Scheme 2023. Collection method: clinical testing. Allele origin: germline.

PreventionGenetics, part of Exact Sciences
Classification: Likely benign for ALPK3-related condition. Last evaluated: 2023-02-24. Review status: no assertion criteria provided. Collection method: clinical testing. Allele origin: germline. Not counted in ClinVar's aggregate classification.
Comment: This variant is classified as likely benign based on ACMG/AMP sequence variant interpretation guidelines (Richards et al. 2015 PMID: 25741868, with internal and published modifications).

Literature cited by the submitters: PubMed 30847666 (cited by Ambry Genetics).